The following is an entry in ClinVar:

ClinVar aggregate classification (germline): Pathogenic (1 of 4 stars; one submission).

Submission:

Labcorp Genetics (formerly Invitae), Labcorp
Classification: Pathogenic. Last evaluated: 2022-06-26. Review status: criteria provided, single submitter. Criteria: Invitae Variant Classification Sherloc (09022015). Collection method: clinical testing. Allele origin: germline.
Comment: For these reasons, this variant has been classified as Pathogenic. This variant has not been reported in the literature in individuals affected with RARS2-related conditions. This variant is not present in population databases (gnomAD no frequency). This sequence change creates a premature translational stop signal (p.Glu425Glyfs*58) in the RARS2 gene. It is expected to result in an absent or disrupted protein product. Loss-of-function variants in RARS2 are known to be pathogenic (PMID: 17847012, 22569581, 26083569).

Literature cited by the submitters: PubMed 17847012; PubMed 22569581; PubMed 26083569.

NM_020320.5(RARS2):c.1274del (p.Glu425fs)

Gene: RARS2 (arginyl-tRNA synthetase 2, mitochondrial; minus strand). Cytogenetic location: 6q15.
Variant type: Deletion.
Coding change: c.1274del on transcript NM_020320.5 (MANE Select); coding-DNA position 1274, one base deleted (A; older notation c.1274delA).
Protein change: p.Glu425fs; shifts the reading frame from glutamic acid 425.
Molecular consequence: frameshift variant. On other transcripts: non-coding transcript variant (23).
Genome position (GRCh38, 1-based): chr6:87,518,855, T deleted on the plus strand (A on the coding strand, the reverse complement: RARS2 is on the minus strand). VCF-style (leftmost placement, unchanged base first): chr6-87518854-CT-C. GRCh37 (hg19) VCF-style: chr6-88228572-CT-C.
Other names: c.749del, p.Glu250fs (NM_001318785.2, NM_001350506.2, NM_001350507.2 and 4 more transcripts); c.1274del, p.Glu425fs (NM_001350505.2); short protein forms E425fs, E250fs.
Identifiers: ClinVar variation 2010897 (VCV002010897.4), dbSNP rs2483093313, ClinGen allele CA2580075960.
Genomic context (GRCh38, chr6:87,518,854, plus strand): 5'-AGGGCCTCACAGGTAGGAGTCTTAACAGACCTGAATAATGAGTGCTGCGAGCCCGACCCT[CT>C]CTGCAGTCTCTTGTGGGTTCTTGAGTTCTTTAGTTGCTGAAACAGACAAAGGCAGCTATC-3'